The following is an entry in ClinVar:

NM_000093.5(COL5A1):c.4748C>T (p.Thr1583Met)

Genes: COL5A1 (collagen type V alpha 1 chain; plus strand), LOC101448202 (uncharacterized LOC101448202; minus strand). Cytogenetic location: 9q34.3.
Variant type: single nucleotide variant.
Coding change: c.4748C>T on transcript NM_000093.5 (MANE Select); coding-DNA position 4748, C replaced by T.
Protein change: p.Thr1583Met; replaces threonine 1583 with methionine.
Molecular consequence: missense variant.
Genome position (GRCh38, 1-based): chr9:134,824,649, C>T. VCF-style: chr9-134824649-C-T. GRCh37 (hg19) VCF-style: chr9-137716495-C-T.
Other names: c.4748C>T, p.Thr1583Met (NM_001278074.1); short protein forms T1583M.
Identifiers: ClinVar variation 492837 (VCV000492837.28), dbSNP rs375076580, ClinGen allele CA5320465.
Genomic context (GRCh38, chr9:134,824,649, plus strand): 5'-CTGTCCCCCAGGGCCCCCCGGGAGAGGTCATCCAGCCCCTGCCAATCCAGGCATCCAGGA[C>T]GCGGCGGAACATCGACGCCAGCCAGCTGCTGGACGACGGGAATGGCGAGAACTACGTGGA-3'
Protein context (NP_000084.3, residues 1573-1593): IQPLPIQASR[Thr1583Met]RRNIDASQLL

ClinVar aggregate classification (germline): Conflicting classifications of pathogenicity. Review status: criteria provided, conflicting classifications (1 of 4 stars). 7 submissions from 7 submitters: Uncertain significance (3); Benign (1); Likely benign (2). 1 of the submissions does not count toward it. Last evaluated 2025-12-22.

Conditions:
Ehlers-Danlos syndrome, classic type, 1 (EDSCL1). Also called: EHLERS-DANLOS SYNDROME, GRAVIS TYPE; EHLERS-DANLOS SYNDROME, SEVERE CLASSIC TYPE; EDS I; Ehlers-Danlos Syndrome, Classic Type, COL5A1-Related; Ehlers-Danlos syndrome, type 1. Identifiers: MedGen C0268335, MONDO:0019567, OMIM 130000.
Loeys-Dietz syndrome (LDS). Identifiers: Orphanet 60030, MedGen C2697932, MONDO:0018954.
Ehlers-Danlos syndrome, classic type (cEDS). Identifiers: Orphanet 287, MedGen C4225429, MONDO:0007522.
Familial thoracic aortic aneurysm and aortic dissection (TAAD). Also called: Thoracic aortic aneurysms and dissections. Identifiers: Orphanet 91387, MedGen C4707243, MONDO:0019625.

Allele frequency attached by ClinVar (database versions not stated): gnomAD exomes 0.00003 and 0.00008; ExAC 0.00007; gnomAD 0.00007; ESP Exome Variant Server 0.00008; TOPMed 0.00009.
gnomAD v4.1: 55 of 1,614,062 alleles (0.0034%); highest among the groups gnomAD compares: Admixed American, 0.04%; no homozygotes.

Submissions (7):

Labcorp Genetics (formerly Invitae), Labcorp
Classification: Benign for Ehlers-Danlos syndrome, classic type, 1. Last evaluated: 2025-12-22. Review status: criteria provided, single submitter. Criteria: Invitae Variant Classification Sherloc (09022015). Collection method: clinical testing. Allele origin: germline.

Ambry Genetics
Classification: Uncertain significance for Familial thoracic aortic aneurysm and aortic dissection. Last evaluated: 2025-04-09. Review status: criteria provided, single submitter. Criteria: Ambry Variant Classification Scheme 2023. Collection method: clinical testing. Allele origin: germline.
Comment: The p.T1583M variant (also known as c.4748C>T), located in coding exon 62 of the COL5A1 gene, results from a C to T substitution at nucleotide position 4748. The threonine at codon 1583 is replaced by methionine, an amino acid with similar properties. This amino acid position is well conserved in available vertebrate species. In addition, the in silico prediction for this alteration is inconclusive. Based on the available evidence, the clinical significance of this variant remains unclear.

GeneDx
Classification: Uncertain significance. Last evaluated: 2024-04-10. Review status: criteria provided, single submitter. Criteria: GeneDx Variant Classification Process June 2021. Collection method: clinical testing. Allele origin: germline. Affected: yes.
Comment: Has not been previously published as pathogenic or benign to our knowledge; In silico analysis indicates that this missense variant does not alter protein structure/function; Not located in the triple helical region, where the majority of pathogenic missense variants occur (PMID: 22696272); This variant is associated with the following publications: (PMID: 22696272)

MGZ Medical Genetics Center
Classification: Uncertain significance for Ehlers-Danlos syndrome, classic type, 1. Last evaluated: 2022-08-29. Review status: criteria provided, single submitter. Criteria: ACMG Guidelines, 2015. Collection method: clinical testing. Allele origin: germline. Affected: yes. Observed: 1 variant allele.
Comment: ACMG criteria applied: PP3, BS2

ARUP Laboratories, Molecular Genetics and Genomics, ARUP Laboratories
Classification: Likely benign for Ehlers-Danlos syndrome, classic type, 1. Last evaluated: 2019-11-19. Review status: criteria provided, single submitter. Criteria: ARUP Molecular Germline Variant Investigation Process. Collection method: clinical testing. Allele origin: germline.

Illumina Laboratory Services, Illumina
Classification: Likely benign for Ehlers-Danlos syndrome, classic type, 1. Last evaluated: 2018-01-12. Review status: criteria provided, single submitter. Criteria: ICSL Variant Classification Criteria 13 December 2019. Collection method: clinical testing. Allele origin: germline.
Comment: This variant was observed in the ICSL laboratory as part of a predisposition screen in an ostensibly healthy population. It had not been previously curated by ICSL or reported in the Human Gene Mutation Database (HGMD: prior to June 1st, 2018), and was therefore a candidate for classification through an automated scoring system. Utilizing variant allele frequency, disease prevalence and penetrance estimates, and inheritance mode, an automated score was calculated to assess if this variant is too frequent to cause the disease. Based on the score and internal cut-off values, a variant classified as likely benign is not then subjected to further curation. The score for this variant resulted in a classification of likely benign for this disease.

Clinical Molecular Genetics Laboratory, Johns Hopkins All Children's Hospital
Classification: Uncertain significance for Loeys-Dietz syndrome. Last evaluated: 2016-09-22. Review status: no assertion criteria provided. Collection method: clinical testing. Allele origin: germline. Affected: yes. Not counted in ClinVar's aggregate classification.